The following is an entry in ClinVar:

NM_001252024.2(TRPM1):c.4493A>C (p.Lys1498Thr)

Gene: TRPM1 (transient receptor potential cation channel subfamily M member 1; minus strand). Cytogenetic location: 15q13.3.
Variant type: single nucleotide variant.
Coding change: c.4493A>C on transcript NM_001252024.2 (MANE Select); coding-DNA position 4493, A replaced by C.
Protein change: p.Lys1498Thr; replaces lysine 1498 with threonine.
Molecular consequence: missense variant.
Genome position (GRCh38, 1-based): chr15:31,002,207, T>G on the plus strand (A>C on the coding strand, the complement: TRPM1 is on the minus strand). VCF-style: chr15-31002207-T-G. GRCh37 (hg19) VCF-style: chr15-31294410-T-G.
Other names: c.4544A>C, p.Lys1515Thr (NM_001252020.2); c.4427A>C, p.Lys1476Thr (NM_002420.6); short protein forms K1476T, K1498T, K1515T.
Identifiers: ClinVar variation 2056938 (VCV002056938.2), dbSNP rs373338604, ClinGen allele CA267496454.

ClinVar aggregate classification (germline): Uncertain significance. Review status: criteria provided, multiple submitters, no conflicts (2 of 4 stars). 2 submissions from 2 submitters: Uncertain significance (2). Last evaluated 2024-09-27.

Allele frequency attached by ClinVar (database versions not stated): gnomAD exomes 0.00001; gnomAD 0.00003; TOPMed 0.00003; ESP Exome Variant Server 0.00008.
gnomAD v4.1: 28 of 1,614,142 alleles (0.0017%); highest among the groups gnomAD compares: African/African-American, 0.0027%; no homozygotes.

Submissions (2):

Blueprint Genetics
Classification: Uncertain significance. Last evaluated: 2024-09-27. Review status: criteria provided, single submitter. Criteria: ACMG Guidelines, 2015. Collection method: clinical testing. Allele origin: germline.

Labcorp Genetics (formerly Invitae), Labcorp
Classification: Uncertain significance. Last evaluated: 2022-09-27. Review status: criteria provided, single submitter. Criteria: Invitae Variant Classification Sherloc (09022015). Collection method: clinical testing. Allele origin: germline.
Comment: This sequence change replaces lysine, which is basic and polar, with threonine, which is neutral and polar, at codon 1476 of the TRPM1 protein (p.Lys1476Thr). This variant is present in population databases (rs373338604, gnomAD 0.004%). This variant has not been reported in the literature in individuals affected with TRPM1-related conditions. Algorithms developed to predict the effect of missense changes on protein structure and function (SIFT, PolyPhen-2, Align-GVGD) all suggest that this variant is likely to be tolerated. In summary, the available evidence is currently insufficient to determine the role of this variant in disease. Therefore, it has been classified as a Variant of Uncertain Significance.